The following is an entry in ClinVar:

NM_000535.7(PMS2):c.20C>A (p.Ser7Ter)

Gene: PMS2 (PMS1 homolog 2, mismatch repair system component; minus strand). Cytogenetic location: 7p22.1.
Variant type: single nucleotide variant.
Coding change: c.20C>A on transcript NM_000535.7 (MANE Select); coding-DNA position 20, C replaced by A.
Protein change: p.Ser7Ter; replaces serine 7 with a stop codon.
Molecular consequence: nonsense. On other transcripts: 5 prime UTR variant (45), non-coding transcript variant (1).
Genome position (GRCh38, 1-based): chr7:6,009,000, G>T on the plus strand (C>A on the coding strand, the complement: PMS2 is on the minus strand). VCF-style: chr7-6009000-G-T. GRCh37 (hg19) VCF-style: chr7-6048631-G-T.
Other names: c.-381C>A (NM_001018040.1, NM_001322003.2, NM_001322013.2 and 5 more transcripts); c.-246C>A (NM_001322004.2, NM_001322010.2, NM_001406911.1); c.-576C>A (NM_001322005.2); c.20C>A, p.Ser7Ter (NM_001322006.2, NM_001322014.2, NM_001406866.1 and 11 more transcripts); c.-196C>A (NM_001322007.2, NM_001406876.1, NM_001406896.1 and 2 more transcripts); c.-56C>A (NM_001322008.2); c.-571C>A (NM_001322009.2, NM_001406897.1); c.-865C>A (NM_001322011.2); and 19 more; short protein forms S7*.
Identifiers: ClinVar variation 2674248 (VCV002674248.3), dbSNP rs587780048, ClinGen allele CA366745222.

ClinVar aggregate classification (germline): Pathogenic/Likely pathogenic. Review status: criteria provided, multiple submitters, no conflicts (2 of 4 stars). 3 submissions from 3 submitters: Pathogenic (2); Likely pathogenic (1). Last evaluated 2025-03-01.

Conditions:
PMS2-related disorder. Also called: PMS2-related condition.
Hereditary nonpolyposis colorectal neoplasms. Identifiers: MedGen C0009405, MeSH D003123.
Lynch syndrome 4 (LYNCH4). Also called: Colorectal cancer, hereditary nonpolyposis, type 4; Hereditary non-polyposis colorectal cancer, type 4. Identifiers: Orphanet 144, MedGen C1838333, MONDO:0013699, OMIM 614337. Disease mechanism: loss of function.

gnomAD v4.1: 1 of 1,612,632 alleles (0.000062%); highest among the groups gnomAD compares: South Asian, 0.0011%; no homozygotes.

Submissions (3):

Labcorp Genetics (formerly Invitae), Labcorp
Classification: Pathogenic for Hereditary nonpolyposis colorectal neoplasms. Last evaluated: 2025-03-01. Review status: criteria provided, single submitter. Criteria: Invitae Variant Classification Sherloc (09022015). Collection method: clinical testing. Allele origin: germline.
Comment: This sequence change creates a premature translational stop signal (p.Ser7*) in the PMS2 gene. It is expected to result in an absent or disrupted protein product. Loss-of-function variants in PMS2 are known to be pathogenic (PMID: 21376568, 24362816). This variant is not present in population databases (gnomAD no frequency). This premature translational stop signal has been observed in individual(s) with endometrial cancer (PMID: 30612635). ClinVar contains an entry for this variant (Variation ID: 2674248). For these reasons, this variant has been classified as Pathogenic.

Myriad Genetics, Inc.
Classification: Pathogenic for Lynch syndrome 4. Last evaluated: 2023-09-18. Review status: criteria provided, single submitter. Criteria: Myriad Autosomal Dominant, Autosomal Recessive and X-Linked Classification Criteria (2023). Collection method: clinical testing. Allele origin: unknown.
Comment: This variant is considered pathogenic. This variant creates a termination codon and is predicted to result in premature protein truncation.

Blueprint Genetics
Classification: Likely pathogenic for PMS2-related disorders. Last evaluated: 2020-02-29. Review status: criteria provided, single submitter. Criteria: ACMG Guidelines, 2015. Collection method: clinical testing. Allele origin: germline. Affected: yes. Observed: 1 variant allele.

Literature cited by the submitters: PubMed 21376568 (cited by Labcorp Genetics (formerly Invitae), Labcorp); PubMed 24362816 (cited by Labcorp Genetics (formerly Invitae), Labcorp); PubMed 30612635 (cited by Labcorp Genetics (formerly Invitae), Labcorp).